The following is an entry in ClinVar:

ClinVar aggregate classification (germline): Likely benign. Review status: criteria provided, single submitter (1 of 4 stars). 2 submissions from 2 submitters: Likely benign (1). 1 of the submissions does not count toward it. Last evaluated 2025-12-02.

Conditions:
FAT1-related disorder. Also called: FAT1-related condition.

Allele frequency attached by ClinVar (database versions not stated): ExAC 0.00003; gnomAD exomes 0.00003; TOPMed 0.00004; gnomAD 0.00005.
gnomAD v4.1: 56 of 1,613,590 alleles (0.0035%); highest among the groups gnomAD compares: Middle Eastern, 0.016%; no homozygotes.

Submissions (2):

Labcorp Genetics (formerly Invitae), Labcorp
Classification: Likely benign. Last evaluated: 2025-12-02. Review status: criteria provided, single submitter. Criteria: Invitae Variant Classification Sherloc (09022015). Collection method: clinical testing. Allele origin: germline.

PreventionGenetics, part of Exact Sciences
Classification: Likely benign for FAT1-related condition. Last evaluated: 2019-03-29. Review status: no assertion criteria provided. Collection method: clinical testing. Allele origin: germline. Not counted in ClinVar's aggregate classification.
Comment: This variant is classified as likely benign based on ACMG/AMP sequence variant interpretation guidelines (Richards et al. 2015 PMID: 25741868, with internal and published modifications).

NM_005245.4(FAT1):c.2013C>T (p.Asn671=)

Gene: FAT1 (FAT atypical cadherin 1; minus strand). Cytogenetic location: 4q35.2.
Variant type: single nucleotide variant.
Coding change: c.2013C>T on transcript NM_005245.4 (MANE Select); coding-DNA position 2013, C replaced by T.
Protein change: p.Asn671=; no amino-acid change (asparagine 671 retained).
Molecular consequence: synonymous variant.
Genome position (GRCh38, 1-based): chr4:186,707,815, G>A on the plus strand (C>T on the coding strand, the complement: FAT1 is on the minus strand). VCF-style: chr4-186707815-G-A. GRCh37 (hg19) VCF-style: chr4-187628969-G-A.
Other names: c.2013C>T (NM_005245.3).
Identifiers: ClinVar variation 2147690 (VCV002147690.6), dbSNP rs775906685, ClinGen allele CA3167340.